The following is an entry in ClinVar:

NM_018344.6(SLC29A3):c.942C>A (p.Tyr314Ter)

Gene: SLC29A3 (solute carrier family 29 member 3; plus strand). Cytogenetic location: 10q22.1.
Variant type: single nucleotide variant.
Coding change: c.942C>A on transcript NM_018344.6 (MANE Select); coding-DNA position 942, C replaced by A.
Protein change: p.Tyr314Ter; replaces tyrosine 314 with a stop codon.
Molecular consequence: nonsense. On other transcripts: 3 prime UTR variant (1), non-coding transcript variant (2).
Genome position (GRCh38, 1-based): chr10:71,362,122, C>A. VCF-style: chr10-71362122-C-A. GRCh37 (hg19) VCF-style: chr10-73121879-C-A.
Other names: c.*171C>A (NM_001174098.2); c.708C>A, p.Tyr236Ter (NM_001363518.2); short protein forms Y236*, Y314*.
Identifiers: ClinVar variation 4994725 (VCV004994725.1).

ClinVar aggregate classification (germline): Likely pathogenic (1 of 4 stars; one submission).

Conditions:
SLC29A3-related disorder. Also called: SLC29A3-related condition.

Submission:

PreventionGenetics, part of Exact Sciences
Classification: Likely pathogenic for SLC29A3-related condition. Last evaluated: 2026-01-02. Review status: criteria provided, single submitter. Criteria: ACMG Guidelines, 2015. Collection method: clinical testing. Allele origin: germline.
Comment: The SLC29A3 c.942C>A variant is predicted to result in premature protein termination (p.Tyr314*). To our knowledge, this variant has not been reported in the literature or in a large population database (gnomAD), indicating this variant is rare. Nonsense variants in SLC29A3 are expected to be pathogenic. This variant is interpreted as likely pathogenic.